The following is an entry in ClinVar:

ClinVar aggregate classification (germline): Benign/Likely benign. Review status: criteria provided, multiple submitters, no conflicts (2 of 4 stars). 2 submissions from 2 submitters: Benign (1); Likely benign (1). Last evaluated 2025-12-21.

Conditions:
Early Myoclonic Encephalopathy. Identifiers: MedGen C0270855.

Allele frequency attached by ClinVar (database versions not stated): ESP Exome Variant Server 0.00017; TOPMed 0.00029; gnomAD 0.00030 and 0.00040; gnomAD exomes 0.00054; ExAC 0.00068; 1000 Genomes Project 30x 0.00094; 1000 Genomes Project 0.00120.
gnomAD v4.1: 411 of 1,602,524 alleles (0.026%); highest among the groups gnomAD compares: South Asian, 0.37%; 6 homozygotes.

Submissions (2):

Labcorp Genetics (formerly Invitae), Labcorp
Classification: Benign for Early Myoclonic Encephalopathy. Last evaluated: 2025-12-21. Review status: criteria provided, single submitter. Criteria: Invitae Variant Classification Sherloc (09022015). Collection method: clinical testing. Allele origin: germline.

CeGaT Center for Human Genetics Tuebingen
Classification: Likely benign. Last evaluated: 2024-12-01. Review status: criteria provided, single submitter. Criteria: CeGaT Center For Human Genetics Tuebingen Variant Classification Criteria Version 2. Collection method: clinical testing. Allele origin: germline. Affected: yes. Observed: 1 variant allele.
Comment: JMJD1C: BP4, BP7

NM_032776.3(JMJD1C):c.6834C>T (p.Tyr2278=)

Gene: JMJD1C (jumonji domain containing 1C; minus strand). Cytogenetic location: 10q21.3.
Variant type: single nucleotide variant.
Coding change: c.6834C>T on transcript NM_032776.3 (MANE Select); coding-DNA position 6834, C replaced by T.
Protein change: p.Tyr2278=; no amino-acid change (tyrosine 2278 retained).
Molecular consequence: synonymous variant. On other transcripts: non-coding transcript variant (1).
Genome position (GRCh38, 1-based): chr10:63,184,735, G>A on the plus strand (C>T on the coding strand, the complement: JMJD1C is on the minus strand). VCF-style: chr10-63184735-G-A. GRCh37 (hg19) VCF-style: chr10-64944495-G-A.
Other names: c.6288C>T, p.Tyr2096= (NM_001282948.2, NM_001318154.2); c.5970C>T, p.Tyr1990= (NM_001318153.2); c.6720C>T, p.Tyr2240= (NM_001322252.2); c.6177C>T, p.Tyr2059= (NM_001322254.2, NM_001322258.2).
Identifiers: ClinVar variation 767283 (VCV000767283.24), dbSNP rs140575344, ClinGen allele CA5517774.